The following is an entry in ClinVar:

NM_004415.4(DSP):c.582G>T (p.Trp194Cys)

Gene: DSP (desmoplakin; plus strand). Cytogenetic location: 6p24.3.
Variant type: single nucleotide variant.
Coding change: c.582G>T on transcript NM_004415.4 (MANE Select); coding-DNA position 582, G replaced by T.
Protein change: p.Trp194Cys; replaces tryptophan 194 with cysteine.
Molecular consequence: missense variant.
Genome position (GRCh38, 1-based): chr6:7,559,385, G>T. VCF-style: chr6-7559385-G-T. GRCh37 (hg19) VCF-style: chr6-7559618-G-T.
Other names: c.582G>T, p.Trp194Cys (NM_001008844.3, NM_001319034.2); short protein forms W194C.
Identifiers: ClinVar variation 928450 (VCV000928450.16), dbSNP rs1345570966, ClinGen allele CA362672852.

ClinVar aggregate classification (germline): Uncertain significance. Review status: criteria provided, multiple submitters, no conflicts (2 of 4 stars). 5 submissions from 5 submitters: Uncertain significance (5). Last evaluated 2025-02-06.

Conditions:
Cardiovascular phenotype. Identifiers: MedGen CN230736.
Cardiomyopathy (CMYO). Also called: Cardiomyopathies. Identifiers: Orphanet 167848, MedGen C0878544, MONDO:0004994, HP:0001638. Inheritance: Various modes of inheritance.
Arrhythmogenic cardiomyopathy with wooly hair and keratoderma. Also called: Carvajal syndrome; PALMOPLANTAR KERATODERMA WITH LEFT VENTRICULAR CARDIOMYOPATHY AND WOOLLY HAIR; Dilated cardiomyopathy with woolly hair and keratoderma; Arrhythmogenic cardiomyopathy with woolly hair and keratoderma. Identifiers: Orphanet 65282, MedGen C1854063, MONDO:0011581, OMIM 605676.
Arrhythmogenic right ventricular dysplasia 8 (ARVD8). Also called: Arrhythmogenic Right Ventricular Dysplasia/Cardiomyopathy 8; ARRHYTHMOGENIC RIGHT VENTRICULAR DYSPLASIA, FAMILIAL, 8; ARRHYTHMOGENIC RIGHT VENTRICULAR CARDIOMYOPATHY 8. Identifiers: MedGen C1843896, MONDO:0011831, OMIM 607450.

Allele frequency attached by ClinVar (database versions not stated): TOPMed below 0.00001; gnomAD exomes 0.00001 and 0.00005.
gnomAD v4.1: 67 of 1,612,708 alleles (0.0042%); highest among the groups gnomAD compares: Non-Finnish European, 0.0056%; no homozygotes.

Submissions (5):

Labcorp Genetics (formerly Invitae), Labcorp
Classification: Uncertain significance for Arrhythmogenic cardiomyopathy with wooly hair and keratoderma; Arrhythmogenic right ventricular dysplasia 8. Last evaluated: 2025-02-06. Review status: criteria provided, single submitter. Criteria: Invitae Variant Classification Sherloc (09022015). Collection method: clinical testing. Allele origin: germline.
Comment: This sequence change replaces tryptophan, which is neutral and slightly polar, with cysteine, which is neutral and slightly polar, at codon 194 of the DSP protein (p.Trp194Cys). The frequency data for this variant in the population databases is considered unreliable, as metrics indicate poor data quality at this position in the gnomAD database. This variant has not been reported in the literature in individuals affected with DSP-related conditions. ClinVar contains an entry for this variant (Variation ID: 928450). An algorithm developed to predict the effect of missense changes on protein structure and function (PolyPhen-2) suggests that this variant is likely to be disruptive. In summary, the available evidence is currently insufficient to determine the role of this variant in disease. Therefore, it has been classified as a Variant of Uncertain Significance.

All of Us Research Program, National Institutes of Health
Classification: Uncertain significance for Arrhythmogenic cardiomyopathy with wooly hair and keratoderma. Last evaluated: 2024-06-11. Review status: criteria provided, single submitter. Criteria: ACMG Guidelines, 2015. Collection method: clinical testing. Allele origin: germline. Inheritance: Autosomal dominant inheritance. Observed: 1 variant allele, 1 heterozygote.
Comment: This study involves interpretation of variants in research participants for the purpose of population health screening. Participant phenotype was not available at the time of variant classification. Additional details can be found in publication PMID: 35346344, PMCID: PMC8962531

Color Diagnostics, LLC DBA Color Health
Classification: Uncertain significance for Cardiomyopathy. Last evaluated: 2024-03-06. Review status: criteria provided, single submitter. Criteria: ACMG Guidelines, 2015. Collection method: clinical testing. Allele origin: germline.
Comment: This missense variant replaces tryptophan with cysteine at codon 194 of the DSP protein. Computational prediction suggests that this variant may have deleterious impact on protein structure and function (internally defined REVEL score threshold >= 0.7, PMID: 27666373). Splice site prediction tools suggest that this variant may not impact RNA splicing. To our knowledge, functional studies have not been performed for this variant. This variant has not been reported in individuals affected with cardiovascular disorders in the literature. This variant has been identified in 2/250618 chromosomes in the general population by the Genome Aggregation Database (gnomAD). The available evidence is insufficient to determine the role of this variant in disease conclusively. Therefore, this variant is classified as a Variant of Uncertain Significance.

Ambry Genetics
Classification: Uncertain significance for Cardiovascular phenotype. Last evaluated: 2020-12-04. Review status: criteria provided, single submitter. Criteria: Ambry Variant Classification Scheme 2023. Collection method: clinical testing. Allele origin: germline.
Comment: The p.W194C variant (also known as c.582G>T), located in coding exon 4 of the DSP gene, results from a G to T substitution at nucleotide position 582. The tryptophan at codon 194 is replaced by cysteine, an amino acid with highly dissimilar properties. This amino acid position is highly conserved in available vertebrate species. In addition, this alteration is predicted to be deleterious by in silico analysis. Since supporting evidence is limited at this time, the clinical significance of this alteration remains unclear.

Blueprint Genetics
Classification: Uncertain significance. Last evaluated: 2020-10-23. Review status: criteria provided, single submitter. Criteria: ACMG Guidelines, 2015. Collection method: clinical testing. Allele origin: germline.